The following is an entry in ClinVar:

NM_001939.3(DRP2):c.670C>T (p.Arg224Cys)

Gene: DRP2 (dystrophin related protein 2; plus strand). Cytogenetic location: Xq22.1.
Variant type: single nucleotide variant.
Coding change: c.670C>T on transcript NM_001939.3 (MANE Select); coding-DNA position 670, C replaced by T.
Protein change: p.Arg224Cys; replaces arginine 224 with cysteine.
Molecular consequence: missense variant.
Genome position (GRCh38, 1-based): chrX:101,241,778, C>T. VCF-style: chrX-101241778-C-T. GRCh37 (hg19) VCF-style: chrX-100496767-C-T.
Other names: c.670C>T (NM_001939.2); c.436C>T, p.Arg146Cys (NM_001171184.2); short protein forms R224C, R146C.
Identifiers: ClinVar variation 1497500 (VCV001497500.8), dbSNP rs141205544, ClinGen allele CA10472119.

ClinVar aggregate classification (germline): Uncertain significance. Review status: criteria provided, multiple submitters, no conflicts (2 of 4 stars). 2 submissions from 2 submitters: Uncertain significance (2). Last evaluated 2025-08-01.

Allele frequency attached by ClinVar (database versions not stated): gnomAD exomes 0.00002 and 0.00004; ExAC 0.00006; TOPMed 0.00006; ESP Exome Variant Server 0.00009; gnomAD 0.00009 and 0.00011.

Submissions (2):

Labcorp Genetics (formerly Invitae), Labcorp
Classification: Uncertain significance. Last evaluated: 2025-08-01. Review status: criteria provided, single submitter. Criteria: Invitae Variant Classification Sherloc (09022015). Collection method: clinical testing. Allele origin: germline.
Comment: This sequence change replaces arginine, which is basic and polar, with cysteine, which is neutral and slightly polar, at codon 224 of the DRP2 protein (p.Arg224Cys). This variant is present in population databases (rs141205544, gnomAD 0.02%). This variant has not been reported in the literature in individuals affected with DRP2-related conditions. ClinVar contains an entry for this variant (Variation ID: 1497500). Invitae Evidence Modeling of protein sequence and biophysical properties (such as structural, functional, and spatial information, amino acid conservation, physicochemical variation, residue mobility, and thermodynamic stability) indicates that this missense variant is not expected to disrupt DRP2 protein function with a negative predictive value of 80%. In summary, the available evidence is currently insufficient to determine the role of this variant in disease. Therefore, it has been classified as a Variant of Uncertain Significance.

Ambry Genetics
Classification: Uncertain significance. Last evaluated: 2023-01-24. Review status: criteria provided, single submitter. Criteria: Ambry Variant Classification Scheme 2023. Collection method: clinical testing. Allele origin: germline.